The following is an entry in ClinVar:

NM_004415.4(DSP):c.6340A>G (p.Asn2114Asp)

Gene: DSP (desmoplakin; plus strand). Cytogenetic location: 6p24.3.
Variant type: single nucleotide variant.
Coding change: c.6340A>G on transcript NM_004415.4 (MANE Select); coding-DNA position 6340, A replaced by G.
Protein change: p.Asn2114Asp; replaces asparagine 2114 with aspartic acid.
Molecular consequence: missense variant.
Genome position (GRCh38, 1-based): chr6:7,583,602, A>G. VCF-style: chr6-7583602-A-G. GRCh37 (hg19) VCF-style: chr6-7583835-A-G.
Other names: c.4543A>G, p.Asn1515Asp (NM_001008844.3); c.5011A>G, p.Asn1671Asp (NM_001319034.2); short protein forms N1671D, N1515D, N2114D.
Identifiers: ClinVar variation 922524 (VCV000922524.6), dbSNP rs561452524, ClinGen allele CA047350.

ClinVar aggregate classification (germline): Conflicting classifications of pathogenicity. Review status: criteria provided, conflicting classifications (1 of 4 stars). 2 submissions from 2 submitters: Uncertain significance (1); Likely benign (1). Last evaluated 2024-07-08.

Conditions:
Cardiomyopathy (CMYO). Also called: Cardiomyopathies. Identifiers: Orphanet 167848, MedGen C0878544, MONDO:0004994, HP:0001638. Inheritance: Various modes of inheritance.
Arrhythmogenic right ventricular dysplasia 8 (ARVD8). Also called: Arrhythmogenic Right Ventricular Dysplasia/Cardiomyopathy 8; ARRHYTHMOGENIC RIGHT VENTRICULAR DYSPLASIA, FAMILIAL, 8; ARRHYTHMOGENIC RIGHT VENTRICULAR CARDIOMYOPATHY 8. Identifiers: MedGen C1843896, MONDO:0011831, OMIM 607450.
Arrhythmogenic cardiomyopathy with wooly hair and keratoderma. Also called: PALMOPLANTAR KERATODERMA WITH LEFT VENTRICULAR CARDIOMYOPATHY AND WOOLLY HAIR; Carvajal syndrome; Dilated cardiomyopathy with woolly hair and keratoderma; Arrhythmogenic cardiomyopathy with woolly hair and keratoderma. Identifiers: Orphanet 65282, MedGen C1854063, MONDO:0011581, OMIM 605676.

Allele frequency attached by ClinVar (database versions not stated): gnomAD exomes below 0.00001; ExAC 0.00001; gnomAD 0.00001; 1000 Genomes Project 30x 0.00016; 1000 Genomes Project 0.00020.

Submissions (2):

Labcorp Genetics (formerly Invitae), Labcorp
Classification: Likely benign for Arrhythmogenic cardiomyopathy with wooly hair and keratoderma; Arrhythmogenic right ventricular dysplasia 8. Last evaluated: 2024-07-08. Review status: criteria provided, single submitter. Criteria: Invitae Variant Classification Sherloc (09022015). Collection method: clinical testing. Allele origin: germline.

Color Diagnostics, LLC DBA Color Health
Classification: Uncertain significance for Cardiomyopathy. Last evaluated: 2024-03-06. Review status: criteria provided, single submitter. Criteria: ACMG Guidelines, 2015. Collection method: clinical testing. Allele origin: germline.
Comment: This missense variant replaces asparagine with aspartic acid at codon 2114 of the DSP protein. Computational prediction suggests that this variant may not impact protein structure and function (internally defined REVEL score threshold <= 0.5, PMID: 27666373). To our knowledge, functional studies have not been reported for this variant. This variant has not been reported in individuals affected with cardiovascular disorders in the literature. This variant has been identified in 1/251348 chromosomes in the general population by the Genome Aggregation Database (gnomAD). The available evidence is insufficient to determine the role of this variant in disease conclusively. Therefore, this variant is classified as a Variant of Uncertain Significance.